The following is an entry in ClinVar:

NM_000051.4(ATM):c.8990A>G (p.Asp2997Gly)

Genes: C11orf65 (chromosome 11 open reading frame 65; minus strand), ATM (ATM serine/threonine kinase; plus strand). Cytogenetic location: 11q22.3.
Variant type: single nucleotide variant.
Coding change: c.8990A>G on transcript NM_000051.4 (MANE Select); coding-DNA position 8990, A replaced by G.
Protein change: p.Asp2997Gly; replaces aspartic acid 2997 with glycine.
Molecular consequence: missense variant. On other transcripts: intron variant (2).
Genome position (GRCh38, 1-based): chr11:108,365,327, A>G. VCF-style: chr11-108365327-A-G. GRCh37 (hg19) VCF-style: chr11-108236054-A-G.
Other names: c.8990A>G, p.Asp2997Gly (NM_001351834.2); c.640+20593T>C (NM_001330368.2); c.694+20593T>C (NM_001351110.2); short protein forms D2997G.
Identifiers: ClinVar variation 1967528 (VCV001967528.6), dbSNP rs1591386467, ClinGen allele CA382530750.

ClinVar aggregate classification (germline): Uncertain significance. Review status: criteria provided, multiple submitters, no conflicts (2 of 4 stars). 2 submissions from 2 submitters: Uncertain significance (2). Last evaluated 2022-09-27.

Conditions:
Ataxia-telangiectasia syndrome (AT). Also called: Ataxia-telangiectasia, complementation group D; AT, COMPLEMENTATION GROUP C; ATAXIA-TELANGIECTASIA, COMPLEMENTATION GROUP A; ATAXIA-TELANGIECTASIA, FRESNO VARIANT; Ataxia-telangiectasia, complementation group E; LOUIS-BAR SYNDROME. Identifiers: Orphanet 100, MedGen C0004135, MONDO:0008840, OMIM 208900.

Submissions (2):

Labcorp Genetics (formerly Invitae), Labcorp
Classification: Uncertain significance for Ataxia-telangiectasia syndrome. Last evaluated: 2022-09-27. Review status: criteria provided, single submitter. Criteria: Invitae Variant Classification Sherloc (09022015). Collection method: clinical testing. Allele origin: germline.
Comment: This variant has not been reported in the literature in individuals affected with ATM-related conditions. This variant is not present in population databases (gnomAD no frequency). This sequence change replaces aspartic acid, which is acidic and polar, with glycine, which is neutral and non-polar, at codon 2997 of the ATM protein (p.Asp2997Gly). Algorithms developed to predict the effect of missense changes on protein structure and function (SIFT, PolyPhen-2, Align-GVGD) all suggest that this variant is likely to be tolerated. In summary, the available evidence is currently insufficient to determine the role of this variant in disease. Therefore, it has been classified as a Variant of Uncertain Significance.

Blueprint Genetics
Classification: Uncertain significance. Last evaluated: 2020-07-15. Review status: criteria provided, single submitter. Criteria: ACMG Guidelines, 2015. Collection method: clinical testing. Allele origin: germline.